The following is an entry in ClinVar:

NM_172240.3(POC1B):c.1070C>T (p.Ser357Phe)

Genes: POC1B (POC1 centriolar protein B; minus strand), POC1B-DUSP6 (POC1B-DUSP6 readthrough; minus strand). Cytogenetic location: 12q21.33.
Variant type: single nucleotide variant.
Coding change: c.1070C>T on transcript NM_172240.3 (MANE Select); coding-DNA position 1070, C replaced by T.
Protein change: p.Ser357Phe; replaces serine 357 with phenylalanine.
Molecular consequence: missense variant. On other transcripts: non-coding transcript variant (2).
Genome position (GRCh38, 1-based): chr12:89,459,681, G>A on the plus strand (C>T on the coding strand, the complement: POC1B is on the minus strand). VCF-style: chr12-89459681-G-A. GRCh37 (hg19) VCF-style: chr12-89853458-G-A.
Other names: c.944C>T, p.Ser315Phe (NM_001199777.2); short protein forms S357F, S315F.
Identifiers: ClinVar variation 1392806 (VCV001392806.5), dbSNP rs1349050899, ClinGen allele CA385992310.
Genomic context (GRCh38, chr12:89,459,681, plus strand): 5'-AAAAAAACCCGACTTACTGTGGTAGAATCAAAAGAAAGGATATCCATAACAGGGGGAGTA[G>A]AGATCTGCAAATCGATTACCTCAAGCTTTGGATTAATCTGTGTATATACATAAAAAAAAA-3'
Protein context (NP_758440.1, residues 347-367): PKLEVIDLQI[Ser357Phe]TPPVMDILSF

ClinVar aggregate classification (germline): Uncertain significance (1 of 4 stars; one submission).

Allele frequency attached by ClinVar (database versions not stated): gnomAD exomes below 0.00001 and 0.00002; TOPMed below 0.00001; gnomAD 0.00001.
gnomAD v4.1: 22 of 1,535,158 alleles (0.0014%); highest among the groups gnomAD compares: Non-Finnish European, 0.0019%; no homozygotes.

Submission:

Labcorp Genetics (formerly Invitae), Labcorp
Classification: Uncertain significance. Last evaluated: 2021-09-04. Review status: criteria provided, single submitter. Criteria: Invitae Variant Classification Sherloc (09022015). Collection method: clinical testing. Allele origin: germline.
Comment: This sequence change replaces serine with phenylalanine at codon 357 of the POC1B protein (p.Ser357Phe). The serine residue is moderately conserved and there is a large physicochemical difference between serine and phenylalanine. In summary, the available evidence is currently insufficient to determine the role of this variant in disease. Therefore, it has been classified as a Variant of Uncertain Significance. Algorithms developed to predict the effect of missense changes on protein structure and function (SIFT, PolyPhen-2, Align-GVGD) all suggest that this variant is likely to be tolerated. This variant has not been reported in the literature in individuals affected with POC1B-related conditions. This variant is not present in population databases (ExAC no frequency).